The following is an entry in ClinVar:

NM_004370.6(COL12A1):c.4827+6T>C

Gene: COL12A1 (collagen type XII alpha 1 chain; minus strand). Cytogenetic location: 6q13.
Variant type: single nucleotide variant.
Coding change: c.4827+6T>C on transcript NM_004370.6 (MANE Select); 6 bases into the intron after coding-DNA position 4827, T replaced by C.
Molecular consequence: intron variant.
Genome position (GRCh38, 1-based): chr6:75,143,246, A>G on the plus strand (T>C on the coding strand, the complement: COL12A1 is on the minus strand). VCF-style: chr6-75143246-A-G. GRCh37 (hg19) VCF-style: chr6-75852962-A-G.
Other names: c.1335+6T>C (NM_001424116.1, NM_080645.3); c.4554+6T>C (NM_001424115.1); c.4827+6T>C (NM_001424114.1, NM_001424113.1).
Identifiers: ClinVar variation 3762866 (VCV003762866.2).

ClinVar aggregate classification (germline): Uncertain significance (1 of 4 stars; one submission).

Conditions:
Ullrich congenital muscular dystrophy 2 (UCMD2). Identifiers: Orphanet 75840, MedGen C4225314, MONDO:0014654, OMIM 616470.
Bethlem myopathy 2 (BTHLM2). Identifiers: Orphanet 536516, Orphanet 610, MedGen C4225313, MONDO:0034022, OMIM 616471.

Submission:

Labcorp Genetics (formerly Invitae), Labcorp
Classification: Uncertain significance for Bethlem myopathy 2; Ullrich congenital muscular dystrophy 2. Last evaluated: 2024-02-14. Review status: criteria provided, single submitter. Criteria: Invitae Variant Classification Sherloc (09022015). Collection method: clinical testing. Allele origin: germline.
Comment: This sequence change falls in intron 26 of the COL12A1 gene. It does not directly change the encoded amino acid sequence of the COL12A1 protein. It affects a nucleotide within the consensus splice site. This variant is not present in population databases (gnomAD no frequency). This variant has not been reported in the literature in individuals affected with COL12A1-related conditions. Variants that disrupt the consensus splice site are a relatively common cause of aberrant splicing (PMID: 17576681, 9536098). Algorithms developed to predict the effect of sequence changes on RNA splicing suggest that this variant is not likely to affect RNA splicing. In summary, the available evidence is currently insufficient to determine the role of this variant in disease. Therefore, it has been classified as a Variant of Uncertain Significance.

Literature cited by the submitters: PubMed 17576681; PubMed 9536098.